The following is an entry in ClinVar:

ClinVar aggregate classification (germline): Benign/Likely benign. Review status: criteria provided, multiple submitters, no conflicts (2 of 4 stars). 14 submissions from 14 submitters: Benign (8); Likely benign (5). 1 of the submissions does not count toward it. Last evaluated 2026-01-28.

Conditions:
Ehlers-Danlos syndrome (EDS). Identifiers: Orphanet 98249, MedGen C0013720, MONDO:0020066.
Familial thoracic aortic aneurysm and aortic dissection (TAAD). Also called: Thoracic aortic aneurysms and dissections. Identifiers: Orphanet 91387, MedGen C4707243, MONDO:0019625.
Congenital contractural arachnodactyly (CCA). Also called: BEALS SYNDROME; Beals-Hecht syndrome; Arthrogryposis, distal, type 9. Identifiers: Orphanet 115, MedGen C0220668, MONDO:0007363, OMIM 121050.

Allele frequency attached by ClinVar (database versions not stated): gnomAD exomes 0.00052 and 0.00089; ExAC 0.00099; gnomAD 0.00151 and 0.00158; TOPMed 0.00158; ESP Exome Variant Server 0.00161; 1000 Genomes Project 0.00200; 1000 Genomes Project 30x 0.00203.
gnomAD v4.1: 1,049 of 1,614,040 alleles (0.065%); highest among the groups gnomAD compares: Middle Eastern, 0.74%; 7 homozygotes.

Submissions (18):

Labcorp Genetics (formerly Invitae), Labcorp
Classification: Benign for Congenital contractural arachnodactyly. Last evaluated: 2026-01-28. Review status: criteria provided, single submitter. Criteria: Invitae Variant Classification Sherloc (09022015). Collection method: clinical testing. Allele origin: germline.

ARUP Laboratories, Molecular Genetics and Genomics, ARUP Laboratories
Classification: Likely benign. Last evaluated: 2024-11-05. Review status: criteria provided, single submitter. Criteria: ARUP Molecular Germline Variant Investigation Process 2024. Collection method: clinical testing. Allele origin: germline.

Blueprint Genetics
Classification: Benign. Last evaluated: 2024-10-30. Review status: criteria provided, single submitter. Criteria: ACMG Guidelines, 2015. Collection method: clinical testing. Allele origin: germline.

CeGaT Center for Human Genetics Tuebingen
Classification: Likely benign. Last evaluated: 2024-09-01. Review status: criteria provided, single submitter. Criteria: CeGaT Center For Human Genetics Tuebingen Variant Classification Criteria Version 2. Collection method: clinical testing. Allele origin: germline. Affected: yes. Observed: 1 variant allele.
Comment: FBN2: BP4, BP7, BS1

Women's Health and Genetics/Laboratory Corporation of America, LabCorp
Classification: Benign. Last evaluated: 2023-07-21. Review status: criteria provided, single submitter. Criteria: LabCorp Variant Classification Summary - May 2015. Collection method: clinical testing. Allele origin: germline.

Genome Diagnostics Laboratory, The Hospital for Sick Children
Classification: Benign for Ehlers-Danlos syndrome. Last evaluated: 2021-11-30. Review status: criteria provided, single submitter. Criteria: ACMG Guidelines, 2015. Collection method: clinical testing. Allele origin: germline.

Illumina Laboratory Services, Illumina
Classification: Benign for Congenital contractural arachnodactyly. Last evaluated: 2018-01-13. Review status: criteria provided, single submitter. Criteria: ICSL Variant Classification Criteria 13 December 2019. Collection method: clinical testing. Allele origin: germline.
Comment: This variant was observed in the ICSL laboratory as part of a predisposition screen in an ostensibly healthy population. It had not been previously curated by ICSL or reported in the Human Gene Mutation Database (HGMD: prior to June 1st, 2018), and was therefore a candidate for classification through an automated scoring system. Utilizing variant allele frequency, disease prevalence and penetrance estimates, and inheritance mode, an automated score was calculated to assess if this variant is too frequent to cause the disease. Based on the score and internal cut-off values, a variant classified as benign is not then subjected to further curation. The score for this variant resulted in a classification of benign for this disease.

Clinical Genetics DNA and cytogenetics Diagnostics Lab, Erasmus MC, Erasmus Medical Center
Classification: Likely benign for Congenital contractural arachnodactyly. Last evaluated: 2017-06-28. Review status: criteria provided, single submitter. Criteria: ACGS Guidelines, 2013. Collection method: clinical testing. Allele origin: germline. Affected: yes. Study: VKGL Data-share Consensus.

Ambry Genetics
Classification: Benign for Familial thoracic aortic aneurysm and aortic dissection. Last evaluated: 2015-04-24. Review status: criteria provided, single submitter. Criteria: Ambry Variant Classification Scheme 2023. Collection method: clinical testing. Allele origin: germline.

Eurofins Ntd Llc (ga)
Classification: Benign. Last evaluated: 2014-12-19. Review status: criteria provided, single submitter. Criteria: EGL Classification Definitions 2015. Collection method: clinical testing. Allele origin: germline. Observed: 1 variant allele, 1 heterozygote.

GeneDx
Classification: Benign. Last evaluated: 2013-12-21. Review status: criteria provided, single submitter. Criteria: GeneDx Variant Classification (06012015). Collection method: clinical testing. Allele origin: germline. Affected: yes.
Comment: This variant is considered likely benign or benign based on one or more of the following criteria: it is a conservative change, it occurs at a poorly conserved position in the protein, it is predicted to be benign by multiple in silico algorithms, and/or has population frequency not consistent with disease.

Breakthrough Genomics
Classification: Likely benign. Review status: criteria provided, single submitter. Criteria: ACMG Guidelines, 2015. Collection method: not provided. Allele origin: germline. Inheritance: Autosomal dominant inheritance. Affected: yes.

PreventionGenetics, part of Exact Sciences
Classification: Likely benign. Review status: criteria provided, single submitter. Criteria: ACMG Guidelines, 2015. Collection method: clinical testing. Allele origin: germline.

Genome Diagnostics Laboratory, Amsterdam University Medical Center
Classification: Benign for Congenital contractural arachnodactyly. Last evaluated: 2016-09-27. Review status: no assertion criteria provided. Criteria: ACGS Guidelines, 2013. Collection method: clinical testing. Allele origin: germline. Affected: yes. Study: VKGL Data-share Consensus. Not counted in ClinVar's aggregate classification.

Dr. Peter K. Rogan Lab, Western University
No classification provided (evidence only). Condition: Sarcoma. Review status: no classification provided. Collection method: in vitro. Allele origin: not applicable. Functional consequence: retained intron. Not counted in ClinVar's aggregate classification.

Dr. Peter K. Rogan Lab, Western University
No classification provided (evidence only). Condition: Gastric cancer. Review status: no classification provided. Collection method: in vitro. Allele origin: not applicable. Functional consequence: retained intron. Not counted in ClinVar's aggregate classification.

Dr. Peter K. Rogan Lab, Western University
No classification provided (evidence only). Condition: Malignant tumor of esophagus. Review status: no classification provided. Collection method: in vitro. Allele origin: not applicable. Functional consequence: retained intron. Not counted in ClinVar's aggregate classification.

Dr. Peter K. Rogan Lab, Western University
No classification provided (evidence only). Condition: Malignant tumor of esophagus. Review status: no classification provided. Collection method: in vitro. Allele origin: not applicable. Functional consequence: retained intron. Not counted in ClinVar's aggregate classification.

NM_001999.4(FBN2):c.2940C>T (p.Cys980=)

Gene: FBN2 (fibrillin 2; minus strand). Cytogenetic location: 5q23.3.
Variant type: single nucleotide variant.
Coding change: c.2940C>T on transcript NM_001999.4 (MANE Select); coding-DNA position 2940, C replaced by T.
Protein change: p.Cys980=; no amino-acid change (cysteine 980 retained).
Molecular consequence: synonymous variant.
Genome position (GRCh38, 1-based): chr5:128,349,396, G>A on the plus strand (C>T on the coding strand, the complement: FBN2 is on the minus strand). VCF-style: chr5-128349396-G-A. GRCh37 (hg19) VCF-style: chr5-127685088-G-A.
Other names: p.C980C:TGC>TGT.
Identifiers: ClinVar variation 137322 (VCV000137322.50), dbSNP rs143255082, ClinGen allele CA302849.
Genomic context (GRCh38, chr5:128,349,396, plus strand): 5'-GTGAATCTTACCCAAACATACACGGCCAGTCCCATCCAACGTAAGGCCTTCAGGGCACTC[G>A]CAATGAAAAGATCCCTTACTGTTGACACAGCGTCCATTTGGACAAACGCCAGGGAACACC-3'
Protein context (NP_001990.2, residues 970-990): RCVNSKGSFH[Cys980=]ECPEGLTLDG